The following is an entry in ClinVar:

NM_002299.4(LCT):c.301A>G (p.Ser101Gly)

Gene: LCT (lactase; minus strand). Cytogenetic location: 2q21.3.
Variant type: single nucleotide variant.
Coding change: c.301A>G on transcript NM_002299.4 (MANE Select); coding-DNA position 301, A replaced by G.
Protein change: p.Ser101Gly; replaces serine 101 with glycine.
Molecular consequence: missense variant.
Genome position (GRCh38, 1-based): chr2:135,836,869, T>C on the plus strand (A>G on the coding strand, the complement: LCT is on the minus strand). VCF-style: chr2-135836869-T-C. GRCh37 (hg19) VCF-style: chr2-136594439-T-C.
Other names: p.Ser101Gly; short protein forms S101G.
Identifiers: ClinVar variation 708530 (VCV000708530.16), dbSNP rs35837297, ClinGen allele CA1888667.

ClinVar aggregate classification (germline): Benign. Review status: criteria provided, multiple submitters, no conflicts (2 of 4 stars). 4 submissions from 4 submitters: Benign (4). Last evaluated 2026-01-31.

Conditions:
Congenital lactase deficiency. Also called: ALACTASIA, CONGENITAL; DISACCHARIDE INTOLERANCE II. Identifiers: Orphanet 53690, MedGen C0268179, MONDO:0009115, OMIM 223000.

Allele frequency attached by ClinVar (database versions not stated): gnomAD exomes 0.00071 and 0.00184; ExAC 0.00228; gnomAD 0.00752 and 0.00812; 1000 Genomes Project 0.00759; 1000 Genomes Project 30x 0.00796; ESP Exome Variant Server 0.00815; TOPMed 0.00822.
gnomAD v4.1: 2,237 of 1,614,166 alleles (0.14%); highest among the groups gnomAD compares: African/African-American, 2.6%; 27 homozygotes.

Submissions (4):

Labcorp Genetics (formerly Invitae), Labcorp
Classification: Benign. Last evaluated: 2026-01-31. Review status: criteria provided, single submitter. Criteria: Invitae Variant Classification Sherloc (09022015). Collection method: clinical testing. Allele origin: germline.

Mayo Clinic Laboratories, Mayo Clinic
Classification: Benign. Last evaluated: 2025-09-04. Review status: criteria provided, single submitter. Criteria: ACMG Guidelines, 2015. Collection method: clinical testing. Allele origin: germline. Observed: 1 variant allele.
Comment: BS1, BS2, BP4_moderate

Illumina Laboratory Services, Illumina
Classification: Benign for Congenital lactase deficiency. Last evaluated: 2017-04-27. Review status: criteria provided, single submitter. Criteria: ICSL Variant Classification Criteria 13 December 2019. Collection method: clinical testing. Allele origin: germline.
Comment: This variant was observed as part of a predisposition screen in an ostensibly healthy population. A literature search was performed for the gene, cDNA change, and amino acid change (where applicable). Publications were found based on this search. The evidence from the literature, in combination with allele frequency data from public databases where available, was sufficient to rule this variant out of causing disease. Therefore, this variant is classified as benign.

Breakthrough Genomics
Classification: Benign. Review status: criteria provided, single submitter. Criteria: ACMG Guidelines, 2015. Collection method: not provided. Allele origin: germline. Inheritance: Autosomal recessive inheritance. Affected: yes.

Literature cited by the submitters: PubMed 23103231 (cited by Illumina Laboratory Services, Illumina).